The following is an entry in ClinVar:

NM_001297719.2(BMAL1):c.1075G>C (p.Ala359Pro)

Gene: BMAL1 (basic helix-loop-helix ARNT like 1; plus strand). Cytogenetic location: 11p15.3.
Variant type: single nucleotide variant.
Coding change: c.1075G>C on transcript NM_001297719.2 (MANE Select); coding-DNA position 1075, G replaced by C.
Protein change: p.Ala359Pro; replaces alanine 359 with proline.
Molecular consequence: missense variant. On other transcripts: non-coding transcript variant (7), intron variant (2).
Genome position (GRCh38, 1-based): chr11:13,374,102, G>C. VCF-style: chr11-13374102-G-C. GRCh37 (hg19) VCF-style: chr11-13395649-G-C.
Other names: c.1072G>C, p.Ala358Pro (NM_001030272.3, NM_001178.6, NM_001351804.1 and 2 more transcripts); c.943G>C, p.Ala315Pro (NM_001030273.3, NM_001351813.2, NM_001351818.2); c.1075G>C, p.Ala359Pro (NM_001297722.2, NM_001351807.2, NM_001351814.2 and 1 more transcripts); c.946G>C, p.Ala316Pro (NM_001297724.2, NM_001351808.2, NM_001351816.2 and 4 more transcripts); c.1036G>C, p.Ala346Pro (NM_001351805.2); c.1033G>C, p.Ala345Pro (NM_001351806.2); c.1024G>C, p.Ala342Pro (NM_001351809.2, NM_001351812.2); c.325G>C, p.Ala109Pro (NM_001351811.2); and 1 more; short protein forms A109P, A315P, A316P, A342P, A345P, A346P, A358P, A359P.
Identifiers: ClinVar variation 4975950 (VCV004975950.1).

ClinVar aggregate classification (germline): Uncertain significance (1 of 4 stars; one submission).

Submission:

GeneDx
Classification: Uncertain significance. Last evaluated: 2026-02-07. Review status: criteria provided, single submitter. Criteria: GeneDx Variant Classification Process June 2021. Collection method: clinical testing. Allele origin: germline.
Comment: Not observed at significant frequency in large population cohorts (gnomAD); In silico analysis supports that this missense variant has a deleterious effect on protein structure/function; Has not been previously published as pathogenic or benign to our knowledge